The following is an entry in ClinVar:

ClinVar aggregate classification (germline): Uncertain significance. Review status: criteria provided, multiple submitters, no conflicts (2 of 4 stars). 2 submissions from 2 submitters: Uncertain significance (2). Last evaluated 2025-07-02.

Conditions:
Fanconi anemia complementation group A (FANCA). Also called: Fanconi anemia, group A; FANCA-Related Fanconi Anemia. Identifiers: Orphanet 84, MedGen C3469521, MONDO:0009215, OMIM 227650.
Fanconi anemia (FA). Also called: Fanconi's anemia. Identifiers: Orphanet 84, MedGen C0015625, MeSH D005199, MONDO:0019391.

Submissions (2):

Labcorp Genetics (formerly Invitae), Labcorp
Classification: Uncertain significance for Fanconi anemia. Last evaluated: 2025-07-02. Review status: criteria provided, single submitter. Criteria: Invitae Variant Classification Sherloc (09022015). Collection method: clinical testing. Allele origin: germline.
Comment: This sequence change replaces glutamic acid, which is acidic and polar, with lysine, which is basic and polar, at codon 878 of the FANCA protein (p.Glu878Lys). This variant is present in population databases (no rsID available, gnomAD 0.0009%). This variant has not been reported in the literature in individuals affected with FANCA-related conditions. ClinVar contains an entry for this variant (Variation ID: 2173987). Invitae Evidence Modeling of protein sequence and biophysical properties (such as structural, functional, and spatial information, amino acid conservation, physicochemical variation, residue mobility, and thermodynamic stability) indicates that this missense variant is not expected to disrupt FANCA protein function with a negative predictive value of 95%. In summary, the available evidence is currently insufficient to determine the role of this variant in disease. Therefore, it has been classified as a Variant of Uncertain Significance.

Fulgent Genetics
Classification: Uncertain significance for Fanconi anemia complementation group A. Last evaluated: 2024-05-30. Review status: criteria provided, single submitter. Criteria: ACMG Guidelines, 2015. Collection method: clinical testing. Allele origin: germline.

NM_000135.4(FANCA):c.2632G>A (p.Glu878Lys)

Genes: FANCA (FA complementation group A; minus strand), LOC130059837 (ATAC-STARR-seq lymphoblastoid active region 11420; plus strand). Cytogenetic location: 16q24.3.
Variant type: single nucleotide variant.
Coding change: c.2632G>A on transcript NM_000135.4 (MANE Select); coding-DNA position 2632, G replaced by A.
Protein change: p.Glu878Lys; replaces glutamic acid 878 with lysine.
Molecular consequence: missense variant.
Genome position (GRCh38, 1-based): chr16:89,765,036, C>T on the plus strand (G>A on the coding strand, the complement: FANCA is on the minus strand). VCF-style: chr16-89765036-C-T. GRCh37 (hg19) VCF-style: chr16-89831444-C-T.
Other names: c.2632G>A, p.Glu878Lys (NM_001286167.3); short protein forms E878K.
Identifiers: ClinVar variation 2173987 (VCV002173987.3), dbSNP rs1017086086, ClinGen allele CA286555573.
Genomic context (GRCh38, chr16:89,765,036, plus strand): 5'-GGTGCAAGGGTCTCCAGGAAAGGCTGGCTACGTCCTCCTCAGAAAGAGGCTGTCGGGCCT[C>T]TGAGAACAATCTGAACATGAGGAACTGAAACTGAAACAGAGAGTGACCCGGCCGTTTCTT-3'
Protein context (NP_000126.2, residues 868-888): FQFLMFRLFS[Glu878Lys]ARQPLSEEDV